The following is an entry in ClinVar:

ClinVar aggregate classification (germline): Uncertain significance (1 of 4 stars; one submission).

Submission:

Ambry Genetics
Classification: Uncertain significance. Last evaluated: 2025-03-14. Review status: criteria provided, single submitter. Criteria: Ambry Variant Classification Scheme 2023. Collection method: clinical testing. Allele origin: germline.
Comment: The p.I61L variant (also known as c.181A>C), located in coding exon 3 of the FAM175A gene, results from an A to C substitution at nucleotide position 181. The isoleucine at codon 61 is replaced by leucine, an amino acid with highly similar properties. This amino acid position is conserved. In addition, this alteration is predicted to be tolerated by in silico analysis. Based on the available evidence, the clinical significance of this variant remains unclear.

NM_139076.3(ABRAXAS1):c.181A>C (p.Ile61Leu)

Gene: ABRAXAS1 (abraxas 1, BRCA1 A complex subunit; minus strand). Cytogenetic location: 4q21.23.
Variant type: single nucleotide variant.
Coding change: c.181A>C on transcript NM_139076.3 (MANE Select); coding-DNA position 181, A replaced by C.
Protein change: p.Ile61Leu; replaces isoleucine 61 with leucine.
Molecular consequence: missense variant. On other transcripts: 5 prime UTR variant (1).
Genome position (GRCh38, 1-based): chr4:83,476,677, T>G on the plus strand (A>C on the coding strand, the complement: ABRAXAS1 is on the minus strand). VCF-style: chr4-83476677-T-G. GRCh37 (hg19) VCF-style: chr4-84397830-T-G.
Other names: c.-80A>C (NM_001345962.2); short protein forms I61L.
Identifiers: ClinVar variation 3799482 (VCV003799482.1).